The following is an entry in ClinVar:

ClinVar aggregate classification (germline): Uncertain significance (1 of 4 stars; one submission).

Allele frequency attached by ClinVar (database versions not stated): gnomAD exomes below 0.00001 and 0.00001; gnomAD 0.00001; TOPMed 0.00001; 1000 Genomes Project 0.00020; ExAC 0.00001; 1000 Genomes Project 30x 0.00016.
gnomAD v4.1: 3 of 1,613,902 alleles (0.00019%); highest among the groups gnomAD compares: Admixed American, 0.0033%; no homozygotes.

Submission:

Labcorp Genetics (formerly Invitae), Labcorp
Classification: Uncertain significance. Last evaluated: 2025-10-19. Review status: criteria provided, single submitter. Criteria: Invitae Variant Classification Sherloc (09022015). Collection method: clinical testing. Allele origin: germline.
Comment: This sequence change replaces glycine, which is neutral and non-polar, with aspartic acid, which is acidic and polar, at codon 1107 of the VCAN protein (p.Gly1107Asp). This variant is present in population databases (rs200488735, gnomAD 0.006%). This variant has not been reported in the literature in individuals affected with VCAN-related conditions. ClinVar contains an entry for this variant (Variation ID: 1501579). An algorithm developed to predict the effect of missense changes on protein structure and function outputs the following: PolyPhen-2: "Benign". The aspartic acid amino acid residue is found in multiple mammalian species, which suggests that this missense change does not adversely affect protein function. In summary, the available evidence is currently insufficient to determine the role of this variant in disease. Therefore, it has been classified as a Variant of Uncertain Significance.

NM_004385.5(VCAN):c.3320G>A (p.Gly1107Asp)

Gene: VCAN (versican; plus strand). Cytogenetic location: 5q14.3.
Variant type: single nucleotide variant.
Coding change: c.3320G>A on transcript NM_004385.5 (MANE Select); coding-DNA position 3320, G replaced by A.
Protein change: p.Gly1107Asp; replaces glycine 1107 with aspartic acid.
Molecular consequence: missense variant. On other transcripts: intron variant (2).
Genome position (GRCh38, 1-based): chr5:83,521,626, G>A. VCF-style: chr5-83521626-G-A. GRCh37 (hg19) VCF-style: chr5-82817445-G-A.
Other names: c.3320G>A, p.Gly1107Asp (NM_001164098.2); c.1042+9230G>A (NM_001164097.2, NM_001126336.3); short protein forms G1107D.
Identifiers: ClinVar variation 1501579 (VCV001501579.6), dbSNP rs200488735, ClinGen allele CA3332990.